The following is an entry in ClinVar:

NM_022489.4(INF2):c.2179G>A (p.Ala727Thr)

Gene: INF2 (inverted formin 2; plus strand). Cytogenetic location: 14q32.33.
Variant type: single nucleotide variant.
Coding change: c.2179G>A on transcript NM_022489.4 (MANE Select); coding-DNA position 2179, G replaced by A.
Protein change: p.Ala727Thr; replaces alanine 727 with threonine.
Molecular consequence: missense variant.
Genome position (GRCh38, 1-based): chr14:104,710,128, G>A. VCF-style: chr14-104710128-G-A. GRCh37 (hg19) VCF-style: chr14-105176465-G-A.
Other names: c.2179G>A, p.Ala727Thr (NM_001031714.4); short protein forms A727T.
Identifiers: ClinVar variation 851341 (VCV000851341.10), dbSNP rs762960061, ClinGen allele CA7372851.

ClinVar aggregate classification (germline): Uncertain significance. Review status: criteria provided, multiple submitters, no conflicts (2 of 4 stars). 2 submissions from 2 submitters: Uncertain significance (2). Last evaluated 2025-10-15.

Conditions:
INF2-related disorder. Also called: INF2-related condition.
Charcot-Marie-Tooth disease dominant intermediate E. Also called: CHARCOT-MARIE-TOOTH NEUROPATHY WITH FOCAL SEGMENTAL GLOMERULONEPHRITIS. Identifiers: Orphanet 93114, MedGen C4302667, MONDO:0013758, OMIM 614455.
Focal segmental glomerulosclerosis 5 (FSGS5). Identifiers: Orphanet 656, MedGen C2750475, MONDO:0013191, OMIM 613237.

Allele frequency attached by ClinVar (database versions not stated): gnomAD exomes 0.00001; TOPMed 0.00004; ExAC 0.00005; gnomAD 0.00006.
gnomAD v4.1: 30 of 1,552,960 alleles (0.0019%); highest among the groups gnomAD compares: African/African-American, 0.022%; no homozygotes.

Submissions (2):

PreventionGenetics, part of Exact Sciences
Classification: Uncertain significance for INF2-related condition. Last evaluated: 2025-10-15. Review status: criteria provided, single submitter. Criteria: ACMG Guidelines, 2015. Collection method: clinical testing. Allele origin: germline.
Comment: The INF2 c.2179G>A variant is predicted to result in the amino acid substitution p.Ala727Thr. To our knowledge, this variant has not been reported in the literature. This variant is reported in 0.0059% of alleles in individuals of African descent in gnomAD. At this time, the clinical significance of this variant is uncertain due to the absence of conclusive functional and genetic evidence.

Labcorp Genetics (formerly Invitae), Labcorp
Classification: Uncertain significance for Charcot-Marie-Tooth disease dominant intermediate E; Focal segmental glomerulosclerosis 5. Last evaluated: 2020-06-07. Review status: criteria provided, single submitter. Criteria: Invitae Variant Classification Sherloc (09022015). Collection method: clinical testing. Allele origin: germline.
Comment: Algorithms developed to predict the effect of missense changes on protein structure and function output the following: SIFT: "Tolerated"; PolyPhen-2: "Not Available"; Align-GVGD: "Class C0". The threonine amino acid residue is found in multiple mammalian species, suggesting that this missense change does not adversely affect protein function. These predictions have not been confirmed by published functional studies and their clinical significance is uncertain. In summary, the available evidence is currently insufficient to determine the role of this variant in disease. Therefore, it has been classified as a Variant of Uncertain Significance. This variant has not been reported in the literature in individuals with INF2-related conditions. This sequence change replaces alanine with threonine at codon 727 of the INF2 protein (p.Ala727Thr). The alanine residue is weakly conserved and there is a small physicochemical difference between alanine and threonine. This variant is present in population databases (rs762960061, ExAC 0.05%).